The following is an entry in ClinVar:

NM_000069.3(CACNA1S):c.5090C>T (p.Pro1697Leu)

Gene: CACNA1S (calcium voltage-gated channel subunit alpha1 S; minus strand). Cytogenetic location: 1q32.1.
Variant type: single nucleotide variant.
Coding change: c.5090C>T on transcript NM_000069.3 (MANE Select); coding-DNA position 5090, C replaced by T.
Protein change: p.Pro1697Leu; replaces proline 1697 with leucine.
Molecular consequence: missense variant.
Genome position (GRCh38, 1-based): chr1:201,041,548, G>A on the plus strand (C>T on the coding strand, the complement: CACNA1S is on the minus strand). VCF-style: chr1-201041548-G-A. GRCh37 (hg19) VCF-style: chr1-201010676-G-A.
Other names: short protein forms P1697L.
Identifiers: ClinVar variation 3386281 (VCV003386281.2).

ClinVar aggregate classification (germline): Uncertain significance. Review status: criteria provided, multiple submitters, no conflicts (2 of 4 stars). 2 submissions from 2 submitters: Uncertain significance (2). Last evaluated 2025-06-09.

Conditions:
Malignant hyperthermia, susceptibility to, 5 (MHS5). Also called: CACNA1S-Related Malignant Hyperthermia Susceptibility. Identifiers: Orphanet 423, MedGen C1866077, MONDO:0011163, OMIM 601887.

gnomAD v4.1: 1 of 1,614,206 alleles (0.000062%); highest among the groups gnomAD compares: East Asian, 0.0022%; no homozygotes.

Submissions (2):

Color Diagnostics, LLC DBA Color Health
Classification: Uncertain significance for Malignant hyperthermia, susceptibility to, 5. Last evaluated: 2025-06-09. Review status: criteria provided, single submitter. Criteria: ACMG Guidelines, 2015. Collection method: clinical testing. Allele origin: germline.
Comment: This missense variant replaces proline with leucine at codon 1697 of the CACNA1S protein. Computational prediction suggests that this variant may not impact protein structure and function. To our knowledge, functional studies have not been reported for this variant. This variant has not been reported in individuals affected with CACNA1S-related disorders in the literature. This variant has been identified in 1/251306 chromosomes in the general population by the Genome Aggregation Database (gnomAD). The available evidence is insufficient to determine the role of this variant in disease conclusively. Therefore, this variant is classified as a Variant of Uncertain Significance.

All of Us Research Program, National Institutes of Health
Classification: Uncertain significance for Malignant hyperthermia, susceptibility to, 5. Last evaluated: 2024-09-11. Review status: criteria provided, single submitter. Criteria: ACMG Guidelines, 2015. Collection method: clinical testing. Allele origin: germline. Inheritance: Autosomal dominant inheritance. Observed: 1 variant allele, 1 heterozygote.
Comment: This study involves interpretation of variants in research participants for the purpose of population health screening. Participant phenotype was not available at the time of variant classification. Additional details can be found in publication PMID: 35346344, PMCID: PMC8962531